The following is an entry in ClinVar:

NM_005591.4(MRE11):c.1582G>A (p.Ala528Thr)

Gene: MRE11 (MRE11 double strand break repair nuclease; minus strand). Cytogenetic location: 11q21.
Variant type: single nucleotide variant.
Coding change: c.1582G>A on transcript NM_005591.4 (MANE Select); coding-DNA position 1582, G replaced by A.
Protein change: p.Ala528Thr; replaces alanine 528 with threonine.
Molecular consequence: missense variant.
Genome position (GRCh38, 1-based): chr11:94,447,420, C>T on the plus strand (G>A on the coding strand, the complement: MRE11 is on the minus strand). VCF-style: chr11-94447420-C-T. GRCh37 (hg19) VCF-style: chr11-94180586-C-T.
Other names: c.1582G>A, p.Ala528Thr (NM_001330347.2, NM_005590.4); short protein forms A528T.
Identifiers: ClinVar variation 479772 (VCV000479772.14), dbSNP rs780018393, ClinGen allele CA226524594.
Genomic context (GRCh38, chr11:94,447,420, plus strand): 5'-TACTCATAAGGTCATCAGCACTAAAGGCAGAAGCAGACTCCTCTGACTGAGATCTGAGTG[C>T]TCTGGCCCTGGTCATAGCCTAAGAGGGAGAAGAAGGAGAAAGTACACACAATGAGATAAC-3'
Protein context (NP_005582.1, residues 518-538): EVREAMTRAR[Ala528Thr]LRSQSEESAS

ClinVar aggregate classification (germline): Uncertain significance. Review status: criteria provided, multiple submitters, no conflicts (2 of 4 stars). 2 submissions from 2 submitters: Uncertain significance (2). Last evaluated 2021-01-13.

Conditions:
Hereditary cancer-predisposing syndrome. Also called: Hereditary Cancer Syndrome; Neoplastic Syndromes, Hereditary; Tumor predisposition; Hereditary neoplastic syndrome. Identifiers: Orphanet 140162, MedGen C0027672, MeSH D009386, MONDO:0015356.
Ataxia-telangiectasia-like disorder (ATLD). Identifiers: MedGen C1858391, MONDO:0011457.

Allele frequency attached by ClinVar (database versions not stated): gnomAD exomes 0.00001.
gnomAD v4.1: 18 of 1,614,146 alleles (0.0011%); highest among the groups gnomAD compares: Non-Finnish European, 0.0015%; no homozygotes.

Submissions (2):

Labcorp Genetics (formerly Invitae), Labcorp
Classification: Uncertain significance for Ataxia-telangiectasia-like disorder. Last evaluated: 2021-01-13. Review status: criteria provided, single submitter. Criteria: Invitae Variant Classification Sherloc (09022015). Collection method: clinical testing. Allele origin: germline.
Comment: In summary, the available evidence is currently insufficient to determine the role of this variant in disease. Therefore, it has been classified as a Variant of Uncertain Significance. Algorithms developed to predict the effect of missense changes on protein structure and function (SIFT, PolyPhen-2, Align-GVGD) all suggest that this variant is likely to be tolerated, but these predictions have not been confirmed by published functional studies and their clinical significance is uncertain. This variant has not been reported in the literature in individuals with MRE11-related conditions. ClinVar contains an entry for this variant (Variation ID: 479772). This variant is not present in population databases (ExAC no frequency). This sequence change replaces alanine with threonine at codon 528 of the MRE11 protein (p.Ala528Thr). The alanine residue is moderately conserved and there is a small physicochemical difference between alanine and threonine.

Ambry Genetics
Classification: Uncertain significance for Hereditary cancer-predisposing syndrome. Last evaluated: 2016-12-08. Review status: criteria provided, single submitter. Criteria: Ambry Variant Classification Scheme 2023. Collection method: clinical testing. Allele origin: germline.
Comment: The p.A528T variant (also known as c.1582G>A), located in coding exon 14 of the MRE11A gene, results from a G to A substitution at nucleotide position 1582. The alanine at codon 528 is replaced by threonine, an amino acid with similar properties. This amino acid position is highly conserved in available vertebrate species. In addition, the in silico prediction for this alteration is inconclusive. Since supporting evidence is limited at this time, the clinical significance of this alteration remains unclear.